The following is an entry in ClinVar:

ClinVar aggregate classification (germline): Uncertain significance (1 of 4 stars; one submission).

Conditions:
Cardiovascular phenotype. Identifiers: MedGen CN230736.

gnomAD v4.1: 2 of 1,607,718 alleles (0.00012%); highest among the groups gnomAD compares: South Asian, 0.0022%; no homozygotes.

Submission:

Ambry Genetics
Classification: Uncertain significance for Cardiovascular phenotype. Last evaluated: 2025-05-30. Review status: criteria provided, single submitter. Criteria: Ambry Variant Classification Scheme 2023. Collection method: clinical testing. Allele origin: germline.
Comment: The c.28-2A>G intronic variant results from an A to G substitution two nucleotides upstream from coding exon 2 in the NEXN gene. This nucleotide position is highly conserved in available vertebrate species. In silico splice site analysis predicts that this alteration will weaken the native splice acceptor site and will result in the creation or strengthening of a novel splice acceptor site. Alterations that disrupt the canonical splice site are expected to cause aberrant splicing, resulting in an abnormal protein or a transcript that is subject to nonsense-mediated mRNA decay. However, this region of the NEXN gene is excluded from other biologically relevant NEXN transcripts. Based on the available evidence, the clinical significance of this alteration remains unclear.

NM_144573.4(NEXN):c.28-2A>G

Gene: NEXN (nexilin F-actin binding protein; plus strand). Cytogenetic location: 1p31.1.
Variant type: single nucleotide variant.
Coding change: c.28-2A>G on transcript NM_144573.4 (MANE Select); the canonical splice acceptor site of the intron before coding-DNA position 28, A replaced by G.
Molecular consequence: splice acceptor variant. On other transcripts: intron variant (1).
Genome position (GRCh38, 1-based): chr1:77,917,564, A>G. VCF-style: chr1-77917564-A-G. GRCh37 (hg19) VCF-style: chr1-78383249-A-G.
Other names: c.28-396A>G (NM_001172309.2).
Identifiers: ClinVar variation 3919106 (VCV003919106.1).